The following is an entry in ClinVar:

ClinVar aggregate classification (germline): Uncertain significance. Review status: criteria provided, multiple submitters, no conflicts (2 of 4 stars). 2 submissions from 2 submitters: Uncertain significance (2). Last evaluated 2022-08-20.

Conditions:
Inborn genetic diseases. Identifiers: MedGen C0950123, MeSH D030342.
Hereditary spastic paraplegia 11. Also called: Nakamura Osame syndrome; Autosomal recessive hereditary spastic paraplegia, mental impairment, and thin corpus callosum; Spastic paraplegia, mental retardation and thin corpus callosum; SPASTIC PARAPLEGIA, AUTOSOMAL RECESSIVE, COMPLICATED, WITH THIN CORPUS CALLOSUM; SPASTIC PARAPLEGIA, AUTOSOMAL RECESSIVE, WITH MENTAL IMPAIRMENT AND THIN CORPUS CALLOSUM; Spastic Paraplegia 11. Identifiers: Orphanet 2822, MedGen C1858479, MONDO:0011445, OMIM 604360.

Allele frequency attached by ClinVar (database versions not stated): gnomAD 0.00001; TOPMed 0.00002; gnomAD exomes 0.00003.
gnomAD v4.1: 43 of 1,613,960 alleles (0.0027%); highest among the groups gnomAD compares: Non-Finnish European, 0.0036%; no homozygotes.

Submissions (2):

Labcorp Genetics (formerly Invitae), Labcorp
Classification: Uncertain significance for Hereditary spastic paraplegia 11. Last evaluated: 2022-08-20. Review status: criteria provided, single submitter. Criteria: Invitae Variant Classification Sherloc (09022015). Collection method: clinical testing. Allele origin: germline.
Comment: This sequence change replaces alanine, which is neutral and non-polar, with threonine, which is neutral and polar, at codon 593 of the SPG11 protein (p.Ala593Thr). This variant is present in population databases (no rsID available, gnomAD 0.007%). This variant has not been reported in the literature in individuals affected with SPG11-related conditions. ClinVar contains an entry for this variant (Variation ID: 963934). Algorithms developed to predict the effect of missense changes on protein structure and function are either unavailable or do not agree on the potential impact of this missense change (SIFT: "Deleterious"; PolyPhen-2: "Probably Damaging"; Align-GVGD: "Class C0"). In summary, the available evidence is currently insufficient to determine the role of this variant in disease. Therefore, it has been classified as a Variant of Uncertain Significance.

Ambry Genetics
Classification: Uncertain significance for Inborn genetic diseases. Last evaluated: 2021-03-02. Review status: criteria provided, single submitter. Criteria: Ambry Variant Classification Scheme 2023. Collection method: clinical testing. Allele origin: germline.
Comment: The p.A593T variant (also known as c.1777G>A), located in coding exon 9 of the SPG11 gene, results from a G to A substitution at nucleotide position 1777. The alanine at codon 593 is replaced by threonine, an amino acid with similar properties. This amino acid position is highly conserved in available vertebrate species. In addition, the in silico prediction for this alteration is inconclusive. Since supporting evidence is limited at this time, the clinical significance of this alteration remains unclear.

NM_025137.4(SPG11):c.1777G>A (p.Ala593Thr)

Gene: SPG11 (SPG11 vesicle trafficking associated, spatacsin; minus strand). Cytogenetic location: 15q21.1.
Variant type: single nucleotide variant.
Coding change: c.1777G>A on transcript NM_025137.4 (MANE Select); coding-DNA position 1777, G replaced by A.
Protein change: p.Ala593Thr; replaces alanine 593 with threonine.
Molecular consequence: missense variant.
Genome position (GRCh38, 1-based): chr15:44,629,347, C>T on the plus strand (G>A on the coding strand, the complement: SPG11 is on the minus strand). VCF-style: chr15-44629347-C-T. GRCh37 (hg19) VCF-style: chr15-44921545-C-T.
Other names: c.1777G>A, p.Ala593Thr (NM_001160227.2); short protein forms A593T.
Identifiers: ClinVar variation 963934 (VCV000963934.6), dbSNP rs971713077, ClinGen allele CA270081122.
Genomic context (GRCh38, chr15:44,629,347, plus strand): 5'-GATTAAGCAATTGTTCTGAAAAGTGTTTGCTTTGGGGTTCAGAATAACTTTCTCTAATTG[C>T]CGAGCAAAGTAAATCCAATGCTGGTATCAGCTCTTCCACATCTGAGAAAGAACCAAAGAA-3'
Protein context (NP_079413.3, residues 583-603): LIPALDLLCS[Ala593Thr]IRESYSEPQS